The following is an entry in ClinVar:

NM_002354.3(EPCAM):c.725T>G (p.Leu242Arg)

Gene: EPCAM (epithelial cell adhesion molecule; plus strand). Cytogenetic location: 2p21.
Variant type: single nucleotide variant.
Coding change: c.725T>G on transcript NM_002354.3 (MANE Select); coding-DNA position 725, T replaced by G.
Protein change: p.Leu242Arg; replaces leucine 242 with arginine.
Molecular consequence: missense variant.
Genome position (GRCh38, 1-based): chr2:47,379,836, T>G. VCF-style: chr2-47379836-T-G. GRCh37 (hg19) VCF-style: chr2-47606975-T-G.
Other names: short protein forms L242R.
Identifiers: ClinVar variation 3845298 (VCV003845298.1).

ClinVar aggregate classification (germline): Uncertain significance (1 of 4 stars; one submission).

Conditions:
Hereditary cancer-predisposing syndrome. Also called: Hereditary neoplastic syndrome; Neoplastic Syndromes, Hereditary; Tumor predisposition; Hereditary Cancer Syndrome. Identifiers: Orphanet 140162, MedGen C0027672, MeSH D009386, MONDO:0015356.

Submission:

Ambry Genetics
Classification: Uncertain significance for Hereditary cancer-predisposing syndrome. Last evaluated: 2025-01-14. Review status: criteria provided, single submitter. Criteria: Ambry Variant Classification Scheme 2023. Collection method: clinical testing. Allele origin: germline.
Comment: The p.L242R variant (also known as c.725T>G), located in coding exon 7 of the EPCAM gene, results from a T to G substitution at nucleotide position 725. The leucine at codon 242 is replaced by arginine, an amino acid with dissimilar properties. This amino acid position is conserved. In addition, this alteration is predicted to be deleterious by in silico analysis. Based on the available evidence, the clinical significance of this variant remains unclear.